The following is an entry in ClinVar:

ClinVar aggregate classification (germline): Uncertain significance (1 of 4 stars; one submission).

Conditions:
Cataract 12 multiple types. Identifiers: Orphanet 91492, MedGen C3808115, MONDO:0012701, OMIM 611597.

Allele frequency attached by ClinVar (database versions not stated): gnomAD exomes below 0.00001 and 0.00001; ExAC 0.00001; gnomAD 0.00001; TOPMed 0.00001.
gnomAD v4.1: 4 of 1,613,766 alleles (0.00025%); highest among the groups gnomAD compares: Admixed American, 0.0067%; no homozygotes.

Submission:

Labcorp Genetics (formerly Invitae), Labcorp
Classification: Uncertain significance for Cataract 12 multiple types. Last evaluated: 2021-05-11. Review status: criteria provided, single submitter. Criteria: Invitae Variant Classification Sherloc (09022015). Collection method: clinical testing. Allele origin: germline.
Comment: Algorithms developed to predict the effect of sequence changes on RNA splicing suggest that this variant may create or strengthen a splice site, but this prediction has not been confirmed by published transcriptional studies. In summary, the available evidence is currently insufficient to determine the role of this variant in disease. Therefore, it has been classified as a Variant of Uncertain Significance. Algorithms developed to predict the effect of missense changes on protein structure and function output the following: SIFT: "Tolerated"; PolyPhen-2: "Benign"; Align-GVGD: "Class C0". The arginine amino acid residue is found in multiple mammalian species, suggesting that this missense change does not adversely affect protein function. These predictions have not been confirmed by published functional studies and their clinical significance is uncertain. This variant has not been reported in the literature in individuals with BFSP2-related conditions. This variant is present in population databases (rs746239628, ExAC 0.009%). This sequence change replaces lysine with arginine at codon 353 of the BFSP2 protein (p.Lys353Arg). The lysine residue is highly conserved and there is a small physicochemical difference between lysine and arginine.

NM_003571.4(BFSP2):c.1058A>G (p.Lys353Arg)

Genes: BFSP2 (beaded filament structural protein 2; plus strand), BFSP2-AS1 (BFSP2 antisense RNA 1; minus strand). Cytogenetic location: 3q22.1.
Variant type: single nucleotide variant.
Coding change: c.1058A>G on transcript NM_003571.4 (MANE Select); coding-DNA position 1058, A replaced by G.
Protein change: p.Lys353Arg; replaces lysine 353 with arginine.
Molecular consequence: missense variant.
Genome position (GRCh38, 1-based): chr3:133,472,379, A>G. VCF-style: chr3-133472379-A-G. GRCh37 (hg19) VCF-style: chr3-133191223-A-G.
Other names: short protein forms K353R.
Identifiers: ClinVar variation 1442993 (VCV001442993.8), dbSNP rs746239628, ClinGen allele CA2623445.